The following is an entry in ClinVar:

NM_001034853.2(RPGR):c.2939del (p.Glu980fs)

Gene: RPGR (retinitis pigmentosa GTPase regulator; minus strand). Cytogenetic location: Xp11.4.
Variant type: Deletion.
Coding change: c.2939del on transcript NM_001034853.2 (MANE Select); coding-DNA position 2939, one base deleted (A; older notation c.2939delA).
Protein change: p.Glu980fs; shifts the reading frame from glutamic acid 980.
Molecular consequence: frameshift variant. On other transcripts: intron variant (8).
Genome position (GRCh38, 1-based): chrX:38,286,060, T deleted on the plus strand (A on the coding strand, the reverse complement: RPGR is on the minus strand). VCF-style (leftmost placement, unchanged base first): chrX-38286059-CT-C. GRCh37 (hg19) VCF-style: chrX-38145312-CT-C.
Other names: c.1569+4899del (NM_001367249.1, NM_001367250.1); c.1902+1034del (NM_001367245.1); c.1386+4899del (NM_001367251.1); c.1719+1034del (NM_001367246.1); c.1572+4899del (NM_001367247.1); c.1905+1034del (NM_000328.3); c.1602+4899del (NM_001367248.1); short protein forms E980fs.
Identifiers: ClinVar variation 2808482 (VCV002808482.4), dbSNP rs2519784620, ClinGen allele CA2739273386.

ClinVar aggregate classification (germline): Pathogenic. Review status: criteria provided, multiple submitters, no conflicts (2 of 4 stars). 2 submissions from 2 submitters: Pathogenic (2). Last evaluated 2025-11-21.

Conditions:
Primary ciliary dyskinesia. Also called: Ciliary dyskinesia. Identifiers: Orphanet 244, MedGen C0008780, MONDO:0016575, HP:0012265.
Retinitis pigmentosa 3. Also called: CHOROIDORETINAL DEGENERATION WITH RETINAL REFLEX IN HETEROZYGOUS WOMEN. Identifiers: Orphanet 791, MedGen C1845667, MONDO:0010227, OMIM 300029.

Submissions (2):

Labcorp Genetics (formerly Invitae), Labcorp
Classification: Pathogenic for Primary ciliary dyskinesia. Last evaluated: 2025-11-21. Review status: criteria provided, single submitter. Criteria: Invitae Variant Classification Sherloc (09022015). Collection method: clinical testing. Allele origin: germline.
Comment: This sequence change creates a premature translational stop signal (p.Glu980Glyfs*109) in the RPGR (ORF15) gene. While this is not anticipated to result in nonsense mediated decay, it is expected to disrupt the last 173 amino acid(s) of the RPGR (ORF15) protein. This variant is not present in population databases (gnomAD no frequency). This premature translational stop signal has been observed in individual(s) with retinitis pigmentosa (PMID: 32702353). ClinVar contains an entry for this variant (Variation ID: 2808482). This variant disrupts a region of the RPGR (ORF15) protein in which other variant(s) (p.Leu1130Lysfs*13) have been determined to be pathogenic (PMID: 22264887; internal data). This suggests that this is a clinically significant region of the protein, and that variants that disrupt it are likely to be disease-causing. For these reasons, this variant has been classified as Pathogenic.

Institute of Medical Genetics and Applied Genomics, University Hospital Tübingen
Classification: Pathogenic for Retinitis pigmentosa 3. Last evaluated: 2024-03-22. Review status: criteria provided, single submitter. Criteria: ACMG Guidelines, 2015. Collection method: clinical testing. Allele origin: germline. Inheritance: X-linked recessive inheritance. Affected: yes.

Literature cited by the submitters: PubMed 32702353 (cited by Labcorp Genetics (formerly Invitae), Labcorp); PubMed 22264887 (cited by Labcorp Genetics (formerly Invitae), Labcorp).